The following is an entry in ClinVar:

ClinVar aggregate classification (germline): Uncertain significance. Review status: criteria provided, multiple submitters, no conflicts (2 of 4 stars). 2 submissions from 2 submitters: Uncertain significance (2). Last evaluated 2025-10-11.

Conditions:
Hereditary nonpolyposis colorectal neoplasms. Identifiers: MedGen C0009405, MeSH D003123.
Hereditary cancer-predisposing syndrome. Also called: Hereditary Cancer Syndrome; Neoplastic Syndromes, Hereditary; Tumor predisposition; Hereditary neoplastic syndrome. Identifiers: Orphanet 140162, MedGen C0027672, MeSH D009386, MONDO:0015356.

Submissions (2):

Labcorp Genetics (formerly Invitae), Labcorp
Classification: Uncertain significance for Hereditary nonpolyposis colorectal neoplasms. Last evaluated: 2025-10-11. Review status: criteria provided, single submitter. Criteria: Invitae Variant Classification Sherloc (09022015). Collection method: clinical testing. Allele origin: germline.
Comment: This sequence change replaces isoleucine, which is neutral and non-polar, with threonine, which is neutral and polar, at codon 334 of the PMS2 protein (p.Ile334Thr). This variant is not present in population databases (gnomAD no frequency). This variant has not been reported in the literature in individuals affected with PMS2-related conditions. ClinVar contains an entry for this variant (Variation ID: 480366). Invitae Evidence Modeling incorporating data from in vitro experimental studies (internal data) indicates that this missense variant is not expected to disrupt PMS2 function with a negative predictive value of 95%. In summary, the available evidence is currently insufficient to determine the role of this variant in disease. Therefore, it has been classified as a Variant of Uncertain Significance.

Ambry Genetics
Classification: Uncertain significance for Hereditary cancer-predisposing syndrome. Last evaluated: 2024-03-22. Review status: criteria provided, single submitter. Criteria: Ambry Variant Classification Scheme 2023. Collection method: clinical testing. Allele origin: germline.
Comment: The p.I334T variant (also known as c.1001T>C), located in coding exon 10 of the PMS2 gene, results from a T to C substitution at nucleotide position 1001. The isoleucine at codon 334 is replaced by threonine, an amino acid with similar properties. This amino acid position is not well conserved in available vertebrate species. In addition, this alteration is predicted to be deleterious by in silico analysis. Since supporting evidence is limited at this time, the clinical significance of this alteration remains unclear.

NM_000535.7(PMS2):c.1001T>C (p.Ile334Thr)

Gene: PMS2 (PMS1 homolog 2, mismatch repair system component; minus strand). Cytogenetic location: 7p22.1.
Variant type: single nucleotide variant.
Coding change: c.1001T>C on transcript NM_000535.7 (MANE Select); coding-DNA position 1001, T replaced by C.
Protein change: p.Ile334Thr; replaces isoleucine 334 with threonine.
Molecular consequence: missense variant. On other transcripts: non-coding transcript variant (1), intron variant (2).
Genome position (GRCh38, 1-based): chr7:5,989,943, A>G on the plus strand (T>C on the coding strand, the complement: PMS2 is on the minus strand). VCF-style: chr7-5989943-A-G. GRCh37 (hg19) VCF-style: chr7-6029574-A-G.
Other names: c.596T>C, p.Ile199Thr (NM_001322003.2, NM_001322004.2, NM_001322005.2 and 1 more transcripts); c.683T>C, p.Ile228Thr (NM_001322007.2, NM_001322008.2); c.68T>C, p.Ile23Thr (NM_001322011.2, NM_001322012.2); c.428T>C, p.Ile143Thr (NM_001322013.2); c.1001T>C, p.Ile334Thr (NM_001322014.2); c.692T>C, p.Ile231Thr (NM_001322015.2); c.583+2030T>C (NM_001322010.2); c.988+2030T>C (NM_001322006.2); short protein forms I334T, I143T, I231T, I228T, I199T, I23T.
Identifiers: ClinVar variation 480366 (VCV000480366.11), dbSNP rs1234321567, ClinGen allele CA366743015.